The following is an entry in ClinVar:

NM_001144967.3(NEDD4L):c.1089G>A (p.Ala363=)

Gene: NEDD4L (NEDD4 like E3 ubiquitin protein ligase; plus strand). Cytogenetic location: 18q21.31.
Variant type: single nucleotide variant.
Coding change: c.1089G>A on transcript NM_001144967.3 (MANE Select); coding-DNA position 1089, G replaced by A.
Protein change: p.Ala363=; no amino-acid change (alanine 363 retained).
Molecular consequence: synonymous variant. On other transcripts: intron variant (5).
Genome position (GRCh38, 1-based): chr18:58,335,501, G>A. VCF-style: chr18-58335501-G-A. GRCh37 (hg19) VCF-style: chr18-56002733-G-A.
Other names: c.726G>A, p.Ala242= (NM_001144964.1, NM_001144965.2, NM_001144966.3); c.1065G>A, p.Ala355= (NM_001144968.2); c.1065+1609G>A (NM_015277.6, NM_001243960.2); c.702+1609G>A (NM_001144971.2, NM_001144970.3); c.1041+1609G>A (NM_001144969.2).
Identifiers: ClinVar variation 3031517 (VCV003031517.2), dbSNP rs765522431, ClinGen allele CA300917958.

ClinVar aggregate classification (germline): Likely benign (0 of 4 stars; one submission).

Conditions:
NEDD4L-related disorder. Also called: NEDD4L-related condition.

Allele frequency attached by ClinVar (database versions not stated): gnomAD exomes 0.00001; gnomAD 0.00002; TOPMed 0.00002.
gnomAD v4.1: 20 of 1,613,482 alleles (0.0012%); highest among the groups gnomAD compares: East Asian, 0.0045%; no homozygotes.

Submission:

PreventionGenetics, part of Exact Sciences
Classification: Likely benign for NEDD4L-related condition. Last evaluated: 2023-03-28. Review status: no assertion criteria provided. Collection method: clinical testing. Allele origin: germline.
Comment: This variant is classified as likely benign based on ACMG/AMP sequence variant interpretation guidelines (Richards et al. 2015 PMID: 25741868, with internal and published modifications).